The following is an entry in ClinVar:

NM_000350.3(ABCA4):c.4667+45T>C

Gene: ABCA4 (ATP binding cassette subfamily A member 4; minus strand). Cytogenetic location: 1p22.1.
Variant type: single nucleotide variant.
Coding change: c.4667+45T>C on transcript NM_000350.3 (MANE Select); 45 bases into the intron after coding-DNA position 4667, T replaced by C.
Molecular consequence: intron variant.
Genome position (GRCh38, 1-based): chr1:94,023,341, A>G on the plus strand (T>C on the coding strand, the complement: ABCA4 is on the minus strand). VCF-style: chr1-94023341-A-G. GRCh37 (hg19) VCF-style: chr1-94488897-A-G.
Other names: c.4445+45T>C (NM_001425324.1).
Identifiers: ClinVar variation 4881654 (VCV004881654.2).

ClinVar aggregate classification (germline): Uncertain significance (1 of 4 stars; one submission).

gnomAD v4.1: 147 of 1,504,698 alleles (0.0098%); highest among the groups gnomAD compares: Admixed American, 0.017%; no homozygotes.

Submission:

Dasa
Classification: Uncertain significance. Last evaluated: 2026-02-27. Review status: criteria provided, single submitter. Criteria: DASA Assertion Criteria. Collection method: clinical testing. Allele origin: germline.
Comment: NM_000350.3(ABCA4):c.4667+45T>C is an intronic variant. This variant has been reported in individuals with ABCA4-related disorders (PMID: 29925512). Also, this variant is rare in population databases. The currently available literature and clinical evidence are not sufficient to establish a definitive association between this variant and the reported condition. Therefore, this variant is classified as a variant of uncertain significance.

Literature cited by the submitters: PubMed 29925512.